The following is an entry in ClinVar:

NM_000384.3(APOB):c.237+4T>C

Genes: APOB (apolipoprotein B; minus strand), LOC106560211 (APOB 5' regulatory region; plus strand). Cytogenetic location: 2p24.1.
Variant type: single nucleotide variant.
Coding change: c.237+4T>C on transcript NM_000384.3 (MANE Select); 4 bases into the intron after coding-DNA position 237, T replaced by C.
Molecular consequence: intron variant.
Genome position (GRCh38, 1-based): chr2:21,042,357, A>G on the plus strand (T>C on the coding strand, the complement: APOB is on the minus strand). VCF-style: chr2-21042357-A-G. GRCh37 (hg19) VCF-style: chr2-21265229-A-G.
Identifiers: ClinVar variation 924433 (VCV000924433.3), dbSNP rs1170796077, ClinGen allele CA530860567.
Genomic context (GRCh38, chr2:21,042,357, plus strand): 5'-CCGCTGGAACAGGGCTGGGGGAAAGCTGTGGGCTCTAGGTCCCTCCTGCCTGCATCCTCC[A>G]TACCTTGCAGTTGATCCTGGTGGCACTTCTTGAATCAGCAGTCCCAGGGACTCCACTGGA-3'

ClinVar aggregate classification (germline): Conflicting classifications of pathogenicity. Review status: criteria provided, conflicting classifications (1 of 4 stars). 2 submissions from 2 submitters: Uncertain significance (1); Likely benign (1). Last evaluated 2025-10-29.

Conditions:
Cardiovascular phenotype. Identifiers: MedGen CN230736.
Familial hypercholesterolemia. Also called: Familial hypercholesterolaemia. Identifiers: MedGen C0020445, MONDO:0005439.

Allele frequency attached by ClinVar (database versions not stated): gnomAD exomes below 0.00001 and 0.00001; gnomAD 0.00002 and 0.00003; TOPMed 0.00003.
gnomAD v4.1: 9 of 1,610,720 alleles (0.00056%); highest among the groups gnomAD compares: Non-Finnish European, 0.00076%; no homozygotes.

Submissions (2):

Ambry Genetics
Classification: Uncertain significance for Cardiovascular phenotype. Last evaluated: 2025-10-29. Review status: criteria provided, single submitter. Criteria: Ambry Variant Classification Scheme 2023. Collection method: clinical testing. Allele origin: germline.
Comment: The c.237+4T>C intronic variant results from a T to C substitution 4 nucleotides after coding exon 3 in the APOB gene. This nucleotide position is not well conserved in available vertebrate species. In silico splice site analysis predicts that this alteration will not have any significant effect on splicing. Based on the available evidence, the clinical significance of this variant remains unclear.

Color Diagnostics, LLC DBA Color Health
Classification: Likely benign for Familial hypercholesterolemia. Last evaluated: 2019-10-14. Review status: criteria provided, single submitter. Criteria: ACMG Guidelines, 2015. Collection method: clinical testing. Allele origin: germline.